The following is an entry in ClinVar:

NM_005186.4(CAPN1):c.1742G>A (p.Arg581Gln)

Gene: CAPN1 (calpain 1; plus strand). Cytogenetic location: 11q13.1.
Variant type: single nucleotide variant.
Coding change: c.1742G>A on transcript NM_005186.4 (MANE Select); coding-DNA position 1742, G replaced by A.
Protein change: p.Arg581Gln; replaces arginine 581 with glutamine.
Molecular consequence: missense variant. On other transcripts: non-coding transcript variant (1).
Genome position (GRCh38, 1-based): chr11:65,209,335, G>A. VCF-style: chr11-65209335-G-A. GRCh37 (hg19) VCF-style: chr11-64976806-G-A.
Other names: c.1742G>A, p.Arg581Gln (NM_001198868.2, NM_001198869.2); short protein forms R581Q.
Identifiers: ClinVar variation 3484704 (VCV003484704.3).
Genomic context (GRCh38, chr11:65,209,335, plus strand): 5'-TGCAGGAAGCTCACTAGGTGGAGATGTTGGAATTGGTTTTTCTTGCAGACAAAGACCTGC[G>A]GACCAAGGGCTTCAGCCTAGAGTCGTGCCGCAGCATGGTGAACCTCATGGATGTATCCTT-3'
Protein context (NP_005177.2, residues 571-591): NRIISKHKDL[Arg581Gln]TKGFSLESCR

ClinVar aggregate classification (germline): Uncertain significance. Review status: criteria provided, multiple submitters, no conflicts (2 of 4 stars). 2 submissions from 2 submitters: Uncertain significance (2). Last evaluated 2025-03-04.

Conditions:
Inborn genetic diseases. Identifiers: MedGen C0950123, MeSH D030342.

gnomAD v4.1: 122 of 1,613,614 alleles (0.0076%); highest among the groups gnomAD compares: East Asian, 0.2%; 1 homozygote.

Submissions (2):

Labcorp Genetics (formerly Invitae), Labcorp
Classification: Uncertain significance. Last evaluated: 2025-03-04. Review status: criteria provided, single submitter. Criteria: Invitae Variant Classification Sherloc (09022015). Collection method: clinical testing. Allele origin: germline.
Comment: This sequence change replaces arginine, which is basic and polar, with glutamine, which is neutral and polar, at codon 581 of the CAPN1 protein (p.Arg581Gln). This variant is present in population databases (rs186133302, gnomAD 0.07%). This variant has not been reported in the literature in individuals affected with CAPN1-related conditions. ClinVar contains an entry for this variant (Variation ID: 3484704). Invitae Evidence Modeling of protein sequence and biophysical properties (such as structural, functional, and spatial information, amino acid conservation, physicochemical variation, residue mobility, and thermodynamic stability) indicates that this missense variant is not expected to disrupt CAPN1 protein function with a negative predictive value of 80%. In summary, the available evidence is currently insufficient to determine the role of this variant in disease. Therefore, it has been classified as a Variant of Uncertain Significance.

Ambry Genetics
Classification: Uncertain significance for Inborn genetic diseases. Last evaluated: 2024-07-05. Review status: criteria provided, single submitter. Criteria: Ambry Variant Classification Scheme 2023. Collection method: clinical testing. Allele origin: germline.